The following is an entry in ClinVar:

NM_001001957.2(OR2W3):c.516C>T (p.His172=)

Gene: OR2W3 (olfactory receptor family 2 subfamily W member 3; plus strand). Cytogenetic location: 1q44.
Variant type: single nucleotide variant.
Coding change: c.516C>T on transcript NM_001001957.2 (MANE Select); coding-DNA position 516, C replaced by T.
Protein change: p.His172=; no amino-acid change (histidine 172 retained).
Molecular consequence: synonymous variant.
Genome position (GRCh38, 1-based): chr1:247,896,102, C>T. VCF-style: chr1-247896102-C-T. GRCh37 (hg19) VCF-style: chr1-248059404-C-T.
Identifiers: ClinVar variation 1625276 (VCV001625276.10), dbSNP rs146580625, ClinGen allele CA1498618.
Genomic context (GRCh38, chr1:247,896,102, plus strand): 5'-GGTGGCCAACTCCTTGGCCATGTCTCCTGTGACCCTGCGCTTACCCCGCTGTGGGCACCA[C>T]GAGGTGGACCACTTCCTGCGTGAGATGCCCGCCCTGATCCGGATGGCCTGCGTCAGCACT-3'
Protein context (NP_001001957.2, residues 162-182): VTLRLPRCGH[His172=]EVDHFLREMP

ClinVar aggregate classification (germline): Likely benign. Review status: criteria provided, single submitter (1 of 4 stars). 2 submissions from 2 submitters: Likely benign (1). 1 of the submissions does not count toward it. Last evaluated 2025-09-08.

Conditions:
OR2W3-related disorder. Also called: OR2W3-related condition.

Allele frequency attached by ClinVar (database versions not stated): gnomAD exomes 0.00004; ExAC 0.00006; ESP Exome Variant Server 0.00008; 1000 Genomes Project 30x 0.00016; 1000 Genomes Project 0.00020.

Submissions (2):

Labcorp Genetics (formerly Invitae), Labcorp
Classification: Likely benign. Last evaluated: 2025-09-08. Review status: criteria provided, single submitter. Criteria: Invitae Variant Classification Sherloc (09022015). Collection method: clinical testing. Allele origin: germline.

PreventionGenetics, part of Exact Sciences
Classification: Likely benign for OR2W3-related condition. Last evaluated: 2019-03-25. Review status: no assertion criteria provided. Collection method: clinical testing. Allele origin: germline. Not counted in ClinVar's aggregate classification.
Comment: This variant is classified as likely benign based on ACMG/AMP sequence variant interpretation guidelines (Richards et al. 2015 PMID: 25741868, with internal and published modifications).